The following is an entry in ClinVar:

ClinVar aggregate classification (germline): Uncertain significance (1 of 4 stars; one submission).

Conditions:
Intellectual developmental disorder, autosomal dominant 66. Also called: MENTAL RETARDATION, AUTOSOMAL DOMINANT 66. Identifiers: MedGen C5677000, MONDO:0030891, OMIM 619910.

gnomAD v4.1: 1 of 1,610,068 alleles (0.000062%); highest among the groups gnomAD compares: Non-Finnish European, 0.000085%; no homozygotes.

Submission:

Institute of Human Genetics, University of Leipzig Medical Center
Classification: Uncertain significance for Intellectual developmental disorder, autosomal dominant 66. Last evaluated: 2025-03-13. Review status: criteria provided, single submitter. Criteria: ACMG Guidelines, 2015. Collection method: clinical testing. Allele origin: unknown. Affected: yes.
Comment: Criteria applied: PM2_SUP,PP2,PP3

NM_001366521.1(ATP2B1):c.2146C>T (p.Arg716Trp)

Gene: ATP2B1 (ATPase plasma membrane Ca2+ transporting 1; minus strand). Cytogenetic location: 12q21.33.
Variant type: single nucleotide variant.
Coding change: c.2146C>T on transcript NM_001366521.1 (MANE Select); coding-DNA position 2146, C replaced by T.
Protein change: p.Arg716Trp; replaces arginine 716 with tryptophan.
Molecular consequence: missense variant. On other transcripts: non-coding transcript variant (3).
Genome position (GRCh38, 1-based): chr12:89,611,294, G>A on the plus strand (C>T on the coding strand, the complement: ATP2B1 is on the minus strand). VCF-style: chr12-89611294-G-A. GRCh37 (hg19) VCF-style: chr12-90005071-G-A.
Other names: c.2146C>T, p.Arg716Trp (NM_001001323.2, NM_001366520.1, NM_001366522.1 and 12 more transcripts); c.1948C>T, p.Arg650Trp (NM_001366530.1, NM_001413053.1); c.1585C>T, p.Arg529Trp (NM_001366531.1, NM_001366532.1, NM_001413058.1 and 2 more transcripts); c.2107C>T, p.Arg703Trp (NM_001413048.1); c.2005C>T, p.Arg669Trp (NM_001413051.1, NM_001413052.1, NM_001413055.1); c.1903C>T, p.Arg635Trp (NM_001413054.1); c.1891C>T, p.Arg631Trp (NM_001413056.1); c.1693C>T, p.Arg565Trp (NM_001413057.1); short protein forms R635W, R650W, R669W, R703W, R716W, R529W, R565W, R631W.
Identifiers: ClinVar variation 3778719 (VCV003778719.1).